The following is an entry in ClinVar:

ClinVar aggregate classification (germline): Uncertain significance (1 of 4 stars; one submission).

Conditions:
Malignant hyperthermia, susceptibility to, 1 (MHS1). Also called: RYR1-Related Malignant Hyperthermia Susceptibility; Anesthesia related hyperthermia; Malignant hyperpyrexia; Fulminating hyperpyrexia; Pharmacogenic myopathy; Malignant hyperthermia suceptibility 1. Identifiers: Orphanet 423, MedGen C2930980, MONDO:0007783, OMIM 145600.

Allele frequency attached by ClinVar (database versions not stated): gnomAD exomes 0.00001.
gnomAD v4.1: 3 of 1,614,184 alleles (0.00019%); highest among the groups gnomAD compares: Non-Finnish European, 0.00025%; no homozygotes.

Submission:

All of Us Research Program, National Institutes of Health
Classification: Uncertain significance for Malignant hyperthermia, susceptibility to, 1. Last evaluated: 2023-05-30. Review status: criteria provided, single submitter. Criteria: ACMG Guidelines, 2015. Collection method: clinical testing. Allele origin: germline. Inheritance: Autosomal dominant inheritance. Observed: 2 variant alleles, 2 heterozygotes.
Comment: This missense variant replaces cysteine with serine at codon 2305 of the RYR1 protein. Computational prediction is inconclusive regarding the impact of this variant on protein structure and function (internally defined REVEL score threshold 0.5 < inconclusive < 0.7, PMID: 27666373). To our knowledge, functional studies have not been reported for this variant. This variant has not been reported in individuals affected with RYR1-related disorders in the literature. This variant has not been identified in the general population by the Genome Aggregation Database (gnomAD). The available evidence is insufficient to determine the role of this variant in disease conclusively. Therefore, this variant is classified as a Variant of Uncertain Significance.

This study involves interpretation of variants in research participants for the purpose of population health screening. Participant phenotype was not available at the time of variant classification. Additional details can be found in publication PMID: 35346344, PMCID: PMC8962531

NM_000540.3(RYR1):c.6914G>C (p.Cys2305Ser)

Gene: RYR1 (ryanodine receptor 1; plus strand). Cytogenetic location: 19q13.2.
Variant type: single nucleotide variant.
Coding change: c.6914G>C on transcript NM_000540.3 (MANE Select); coding-DNA position 6914, G replaced by C.
Protein change: p.Cys2305Ser; replaces cysteine 2305 with serine.
Molecular consequence: missense variant.
Genome position (GRCh38, 1-based): chr19:38,499,130, G>C. VCF-style: chr19-38499130-G-C. GRCh37 (hg19) VCF-style: chr19-38989770-G-C.
Other names: c.6914G>C, p.Cys2305Ser (NM_001042723.2); short protein forms C2305S.
Identifiers: ClinVar variation 3069649 (VCV003069649.1), dbSNP rs2514308126, ClinGen allele CA082270.